The following is an entry in ClinVar:

NM_022765.4(MICAL1):c.2998C>A (p.Leu1000Met)

Gene: MICAL1 (microtubule associated monooxygenase, calponin and LIM domain containing 1; minus strand). Cytogenetic location: 6q21.
Variant type: single nucleotide variant.
Coding change: c.2998C>A on transcript NM_022765.4 (MANE Select); coding-DNA position 2998, C replaced by A.
Protein change: p.Leu1000Met; replaces leucine 1000 with methionine.
Molecular consequence: missense variant.
Genome position (GRCh38, 1-based): chr6:109,444,782, G>T on the plus strand (C>A on the coding strand, the complement: MICAL1 is on the minus strand). VCF-style: chr6-109444782-G-T. GRCh37 (hg19) VCF-style: chr6-109765985-G-T.
Other names: c.2740C>A, p.Leu914Met (NM_001159291.2); c.3055C>A, p.Leu1019Met (NM_001286613.2); short protein forms L1000M, L1019M, L914M.
Identifiers: ClinVar variation 1512428 (VCV001512428.8), dbSNP rs2115322516, ClinGen allele CA365221076.
Genomic context (GRCh38, chr6:109,444,782, plus strand): 5'-TACCTTCCCGGTTCATGTAGCCTCGTAGCTCCTGGTCCAGCTGCCACTGTTTCTCCTCCA[G>T]ATTCAATTCCTGCACCCTGTGGAGGTCAGGGATTGTAGAAGCAGAGCTGTCTAAGGTGCC-3'
Protein context (NP_073602.3, residues 990-1010): ELMITVQELN[Leu1000Met]EEKQWQLDQE

ClinVar aggregate classification (germline): Uncertain significance (1 of 4 stars; one submission).

Submission:

Labcorp Genetics (formerly Invitae), Labcorp
Classification: Uncertain significance. Last evaluated: 2022-09-19. Review status: criteria provided, single submitter. Criteria: Invitae Variant Classification Sherloc (09022015). Collection method: clinical testing. Allele origin: germline.
Comment: In summary, the available evidence is currently insufficient to determine the role of this variant in disease. Therefore, it has been classified as a Variant of Uncertain Significance. Algorithms developed to predict the effect of missense changes on protein structure and function are either unavailable or do not agree on the potential impact of this missense change (SIFT: "Deleterious"; PolyPhen-2: "Probably Damaging"; Align-GVGD: "Class C0"). ClinVar contains an entry for this variant (Variation ID: 1512428). This variant has not been reported in the literature in individuals affected with MICAL1-related conditions. This variant is not present in population databases (gnomAD no frequency). This sequence change replaces leucine, which is neutral and non-polar, with methionine, which is neutral and non-polar, at codon 1019 of the MICAL1 protein (p.Leu1019Met).